The following is an entry in ClinVar:

ClinVar aggregate classification (germline): Pathogenic (1 of 4 stars; one submission).

Submission:

Labcorp Genetics (formerly Invitae), Labcorp
Classification: Pathogenic. Last evaluated: 2023-08-04. Review status: criteria provided, single submitter. Criteria: Invitae Variant Classification Sherloc (09022015). Collection method: clinical testing. Allele origin: germline.
Comment: This sequence change creates a premature translational stop signal (p.Gly520Valfs*2) in the ACAN gene. It is expected to result in an absent or disrupted protein product. Loss-of-function variants in ACAN are known to be pathogenic (PMID: 16080123, 24762113). This variant is not present in population databases (gnomAD no frequency). This variant has not been reported in the literature in individuals affected with ACAN-related conditions. For these reasons, this variant has been classified as Pathogenic.

Literature cited by the submitters: PubMed 16080123; PubMed 24762113.

NM_001369268.1(ACAN):c.1559_1569del (p.Gly520fs)

Gene: ACAN (aggrecan; plus strand). Cytogenetic location: 15q26.1.
Variant type: Deletion.
Coding change: c.1559_1569del on transcript NM_001369268.1 (MANE Select); coding-DNA positions 1559 to 1569, 11 bases deleted (GCTATGAGCAG).
Protein change: p.Gly520fs; shifts the reading frame from glycine 520.
Molecular consequence: frameshift variant.
Genome position (GRCh38, 1-based): chr15:88,847,372-88,847,382, GCTATGAGCAG deleted; deleting any 11 consecutive bases within chr15:88,847,367-88,847,382 gives the same sequence; the c. name uses the placement nearest the transcript's 3' end. VCF-style (leftmost placement, unchanged base first): chr15-88847366-AAGCAGGCTATG-A. GRCh37 (hg19) VCF-style: chr15-89390597-AAGCAGGCTATG-A.
Other names: c.1559_1569del, p.Gly520fs (NM_001135.4, NM_001411096.1, NM_001411097.1 and 1 more transcripts); short protein forms G520fs.
Identifiers: ClinVar variation 2749983 (VCV002749983.3), dbSNP rs2505271823, ClinGen allele CA2697549301.